The following is an entry in ClinVar:

ClinVar aggregate classification (germline): Uncertain significance (1 of 4 stars; one submission).

Submission:

GeneDx
Classification: Uncertain significance. Last evaluated: 2024-07-11. Review status: criteria provided, single submitter. Criteria: GeneDx Variant Classification Process June 2021. Collection method: clinical testing. Allele origin: germline. Affected: yes.
Comment: Not observed at significant frequency in large population cohorts (gnomAD); In silico analysis indicates that this missense variant does not alter protein structure/function; Has not been previously published as pathogenic or benign to our knowledge

NM_018896.5(CACNA1G):c.7091G>A (p.Ser2364Asn)

Gene: CACNA1G (calcium voltage-gated channel subunit alpha1 G; plus strand). Cytogenetic location: 17q21.33.
Variant type: single nucleotide variant.
Coding change: c.7091G>A on transcript NM_018896.5 (MANE Select); coding-DNA position 7091, G replaced by A.
Protein change: p.Ser2364Asn; replaces serine 2364 with asparagine.
Molecular consequence: missense variant. On other transcripts: non-coding transcript variant (5).
Genome position (GRCh38, 1-based): chr17:50,626,708, G>A. VCF-style: chr17-50626708-G-A. GRCh37 (hg19) VCF-style: chr17-48704069-G-A.
Other names: c.6902G>A, p.Ser2301Asn (NM_001256324.2); c.6833G>A, p.Ser2278Asn (NM_001256325.2); c.6821G>A, p.Ser2274Asn (NM_001256326.2); c.6791G>A, p.Ser2264Asn (NM_001256327.2); c.6737G>A, p.Ser2246Asn (NM_001256328.2); c.6710G>A, p.Ser2237Asn (NM_001256329.2, NM_198387.3); c.6677G>A, p.Ser2226Asn (NM_001256330.2); c.6656G>A, p.Ser2219Asn (NM_001256331.2); and 18 more; short protein forms S2181N, S2219N, S2226N, S2235N, S2253N, S2260N, S2278N, S2285N.
Identifiers: ClinVar variation 3572734 (VCV003572734.1).